The following is an entry in ClinVar:

NM_007059.4(KPTN):c.949G>A (p.Asp317Asn)

Gene: KPTN (kaptin, actin binding protein; minus strand). Cytogenetic location: 19q13.32.
Variant type: single nucleotide variant.
Coding change: c.949G>A on transcript NM_007059.4 (MANE Select); coding-DNA position 949, G replaced by A.
Protein change: p.Asp317Asn; replaces aspartic acid 317 with asparagine.
Molecular consequence: missense variant. On other transcripts: non-coding transcript variant (1).
Genome position (GRCh38, 1-based): chr19:47,476,853, C>T on the plus strand (G>A on the coding strand, the complement: KPTN is on the minus strand). VCF-style: chr19-47476853-C-T. GRCh37 (hg19) VCF-style: chr19-47980110-C-T.
Other names: c.781G>A, p.Asp261Asn (NM_001291296.2); c.949G>A (NM_007059.2); short protein forms D261N, D317N.
Identifiers: ClinVar variation 945175 (VCV000945175.5), dbSNP rs372917020, ClinGen allele CA9540265.

ClinVar aggregate classification (germline): Uncertain significance. Review status: criteria provided, multiple submitters, no conflicts (2 of 4 stars). 3 submissions from 3 submitters: Uncertain significance (3). Last evaluated 2024-05-03.

Conditions:
Macrocephaly-developmental delay syndrome (MRT41). Also called: INTELLECTUAL DEVELOPMENTAL DISORDER, AUTOSOMAL RECESSIVE 41. Identifiers: Orphanet 397612, MedGen C3810225, MONDO:0014289, OMIM 615637.
Inborn genetic diseases. Identifiers: MedGen C0950123, MeSH D030342.

Allele frequency attached by ClinVar (database versions not stated): TOPMed 0.00003; gnomAD 0.00004; gnomAD exomes 0.00004; ESP Exome Variant Server 0.00008; ExAC 0.00009.

Submissions (3):

Mendelics
Classification: Uncertain significance for Macrocephaly-developmental delay syndrome. Last evaluated: 2024-05-03. Review status: criteria provided, single submitter. Criteria: ACMG Guidelines, 2015. Collection method: clinical testing. Allele origin: unknown.

Ambry Genetics
Classification: Uncertain significance for Inborn genetic diseases. Last evaluated: 2023-03-21. Review status: criteria provided, single submitter. Criteria: Ambry Variant Classification Scheme 2023. Collection method: clinical testing. Allele origin: germline.

Labcorp Genetics (formerly Invitae), Labcorp
Classification: Uncertain significance for Macrocephaly-developmental delay syndrome. Last evaluated: 2021-08-28. Review status: criteria provided, single submitter. Criteria: Invitae Variant Classification Sherloc (09022015). Collection method: clinical testing. Allele origin: germline.
Comment: This sequence change replaces aspartic acid with asparagine at codon 317 of the KPTN protein (p.Asp317Asn). The aspartic acid residue is highly conserved and there is a small physicochemical difference between aspartic acid and asparagine. The frequency data for this variant in the population databases is considered unreliable, as metrics indicate poor data quality at this position in the ExAC database. This variant has not been reported in the literature in individuals affected with KPTN-related conditions. Algorithms developed to predict the effect of missense changes on protein structure and function are either unavailable or do not agree on the potential impact of this missense change (SIFT: "Deleterious"; PolyPhen-2: "Probably Damaging"; Align-GVGD: "Class C15"). In summary, the available evidence is currently insufficient to determine the role of this variant in disease. Therefore, it has been classified as a Variant of Uncertain Significance.